The following is an entry in ClinVar:

ClinVar aggregate classification (germline): Likely benign (1 of 4 stars; one submission).

Conditions:
NUDT6-related disorder. Also called: NUDT6-related condition.

gnomAD v4.1: 32 of 1,614,014 alleles (0.002%); highest among the groups gnomAD compares: Middle Eastern, 0.016%; no homozygotes.

Submission:

PreventionGenetics, part of Exact Sciences
Classification: Likely benign for NUDT6-related condition. Last evaluated: 2025-05-28. Review status: criteria provided, single submitter. Criteria: ACMG Guidelines, 2015. Collection method: clinical testing. Allele origin: germline.
Comment: This variant is classified as likely benign based on ACMG/AMP sequence variant interpretation guidelines (Richards et al. 2015 PMID: 25741868, with internal and published modifications).

NM_007083.5(NUDT6):c.765G>A (p.Ala255=)

Genes: FGF2 (fibroblast growth factor 2; plus strand), NUDT6 (nudix hydrolase 6; minus strand). Cytogenetic location: 4q28.1.
Variant type: single nucleotide variant.
Coding change: c.765G>A on transcript NM_007083.5 (MANE Select); coding-DNA position 765, G replaced by A.
Protein change: p.Ala255=; no amino-acid change (alanine 255 retained).
Molecular consequence: synonymous variant. On other transcripts: 3 prime UTR variant (2).
Genome position (GRCh38, 1-based): chr4:122,893,014, C>T on the plus strand (G>A on the coding strand, the complement: NUDT6 is on the minus strand). VCF-style: chr4-122893014-C-T. GRCh37 (hg19) VCF-style: chr4-123814169-C-T.
Other names: c.258G>A, p.Ala86= (NM_198041.3); c.*618C>T (NM_001361665.2, NM_002006.6).
Identifiers: ClinVar variation 4980774 (VCV004980774.1).
Genomic context (GRCh38, chr4:122,893,014, plus strand): 5'-GTACCCATACAGCAGCAGCCTAGCAACTCTGCTGGTGATGGGAGTTGTATTTTCAGTCTT[C>T]GCCAGGTCATTGAGATCCATCCACTCACATCTTAAGCATTCTTCCTGGCAAAAATTTATG-3'
Protein context (NP_009014.2, residues 245-265): RCEWMDLNDL[Ala255=]KTENTTPITS